The following is an entry in ClinVar:

NM_173651.4(FSIP2):c.17879G>A (p.Arg5960His)

Gene: FSIP2 (fibrous sheath interacting protein 2; plus strand). Cytogenetic location: 2q32.1.
Variant type: single nucleotide variant.
Coding change: c.17879G>A on transcript NM_173651.4 (MANE Select); coding-DNA position 17879, G replaced by A.
Protein change: p.Arg5960His; replaces arginine 5960 with histidine.
Molecular consequence: missense variant.
Genome position (GRCh38, 1-based): chr2:185,807,185, G>A. VCF-style: chr2-185807185-G-A. GRCh37 (hg19) VCF-style: chr2-186671912-G-A.
Other names: short protein forms R5960H.
Identifiers: ClinVar variation 3059156 (VCV003059156.2), dbSNP rs1862066, ClinGen allele CA2017475.

ClinVar aggregate classification (germline): Benign (0 of 4 stars; one submission).

Conditions:
FSIP2-related disorder. Also called: FSIP2-related condition.

Allele frequency attached by ClinVar (database versions not stated): TOPMed 0.53228; 1000 Genomes Project 30x 0.53919; 1000 Genomes Project 0.54054; gnomAD exomes 0.54341; ESP Exome Variant Server 0.54396; gnomAD 0.54491; ExAC 0.55072.
gnomAD v4.1: 869,344 of 1,599,654 alleles (54%); highest among the groups gnomAD compares: South Asian, 64%; 237,954 homozygotes.

Submission:

PreventionGenetics, part of Exact Sciences
Classification: Benign for FSIP2-related condition. Last evaluated: 2019-10-17. Review status: no assertion criteria provided. Collection method: clinical testing. Allele origin: germline.
Comment: This variant is classified as benign based on ACMG/AMP sequence variant interpretation guidelines (Richards et al. 2015 PMID: 25741868, with internal and published modifications).